The following is an entry in ClinVar:

ClinVar aggregate classification (germline): Uncertain significance. Review status: criteria provided, multiple submitters, no conflicts (2 of 4 stars). 2 submissions from 2 submitters: Uncertain significance (2). Last evaluated 2025-08-22.

gnomAD v4.1: 18 of 1,613,994 alleles (0.0011%); highest among the groups gnomAD compares: African/African-American, 0.0067%; no homozygotes.

Submissions (2):

Ambry Genetics
Classification: Uncertain significance. Last evaluated: 2025-08-22. Review status: criteria provided, single submitter. Criteria: Ambry Variant Classification Scheme 2023. Collection method: clinical testing. Allele origin: germline.

Labcorp Genetics (formerly Invitae), Labcorp
Classification: Uncertain significance. Last evaluated: 2024-06-16. Review status: criteria provided, single submitter. Criteria: Invitae Variant Classification Sherloc (09022015). Collection method: clinical testing. Allele origin: germline.
Comment: This sequence change replaces alanine, which is neutral and non-polar, with threonine, which is neutral and polar, at codon 218 of the KLHDC8B protein (p.Ala218Thr). The frequency data for this variant in the population databases is considered unreliable, as metrics indicate poor data quality at this position in the gnomAD database. This variant has not been reported in the literature in individuals affected with KLHDC8B-related conditions. An algorithm developed to predict the effect of missense changes on protein structure and function (PolyPhen-2) suggests that this variant is likely to be tolerated. In summary, the available evidence is currently insufficient to determine the role of this variant in disease. Therefore, it has been classified as a Variant of Uncertain Significance.

NM_173546.3(KLHDC8B):c.652G>A (p.Ala218Thr)

Gene: KLHDC8B (kelch domain containing 8B; plus strand). Cytogenetic location: 3p21.31.
Variant type: single nucleotide variant.
Coding change: c.652G>A on transcript NM_173546.3 (MANE Select); coding-DNA position 652, G replaced by A.
Protein change: p.Ala218Thr; replaces alanine 218 with threonine.
Molecular consequence: missense variant.
Genome position (GRCh38, 1-based): chr3:49,174,852, G>A. VCF-style: chr3-49174852-G-A. GRCh37 (hg19) VCF-style: chr3-49212285-G-A.
Other names: c.652G>A (NM_173546.2); short protein forms A218T.
Identifiers: ClinVar variation 3623730 (VCV003623730.3).